The following is an entry in ClinVar:

ClinVar aggregate classification (germline): Uncertain significance. Review status: criteria provided, multiple submitters, no conflicts (2 of 4 stars). 2 submissions from 2 submitters: Uncertain significance (2). Last evaluated 2022-06-27.

Conditions:
Emery-Dreifuss muscular dystrophy 4, autosomal dominant (EDMD4). Also called: EMERY-DREIFUSS MUSCULAR DYSTROPHY 4 WITH VARIABLE FEATURES. Identifiers: Orphanet 261, MedGen C2751807, MONDO:0013071, OMIM 612998.
Autosomal recessive ataxia, Beauce type. Also called: Spinocerebellar ataxia, autosomal recessive 8; ATAXIA, RECESSIVE, OF BEAUCE; SYNE1-Related Autosomal Recessive Cerebellar Ataxia; SYNE1 Deficiency. Identifiers: Orphanet 88644, MedGen C1853116, MONDO:0012549, OMIM 610743.

Submissions (2):

Labcorp Genetics (formerly Invitae), Labcorp
Classification: Uncertain significance for Emery-Dreifuss muscular dystrophy 4, autosomal dominant; Autosomal recessive ataxia, Beauce type. Last evaluated: 2022-06-27. Review status: criteria provided, single submitter. Criteria: Invitae Variant Classification Sherloc (09022015). Collection method: clinical testing. Allele origin: germline.
Comment: This sequence change replaces alanine, which is neutral and non-polar, with threonine, which is neutral and polar, at codon 777 of the SYNE1 protein (p.Ala777Thr). This variant is not present in population databases (gnomAD no frequency). This variant has not been reported in the literature in individuals affected with SYNE1-related conditions. ClinVar contains an entry for this variant (Variation ID: 838692). Algorithms developed to predict the effect of missense changes on protein structure and function are either unavailable or do not agree on the potential impact of this missense change (SIFT: "Deleterious"; PolyPhen-2: "Possibly Damaging"; Align-GVGD: "Class C0"). In summary, the available evidence is currently insufficient to determine the role of this variant in disease. Therefore, it has been classified as a Variant of Uncertain Significance.

Illumina Laboratory Services, Illumina
Classification: Uncertain significance for Emery-Dreifuss muscular dystrophy 4, autosomal dominant. Last evaluated: 2021-06-15. Review status: criteria provided, single submitter. Criteria: ICSLVariantClassificationCriteria RUGD 01 April 2020. Collection method: clinical testing. Allele origin: unknown.
Comment: The SYNE1 c.2308G>A p.(Ala770Thr) missense variant has not, to our knowledge, been reported in the peer-reviewed literature. This variant is not observed in version 2.1.1 or version 3.1.1 of the Genome Aggregation Database. Based on the limited evidence, the c.2308G>A p.(Ala770Thr) variant is classified as a variant of uncertain significance for Emery-Dreifuss muscular dystrophy.

NM_182961.4(SYNE1):c.2308G>A (p.Ala770Thr)

Gene: SYNE1 (spectrin repeat containing nuclear envelope protein 1; minus strand). Cytogenetic location: 6q25.2.
Variant type: single nucleotide variant.
Coding change: c.2308G>A on transcript NM_182961.4 (MANE Select); coding-DNA position 2308, G replaced by A.
Protein change: p.Ala770Thr; replaces alanine 770 with threonine.
Molecular consequence: missense variant.
Genome position (GRCh38, 1-based): chr6:152,461,683, C>T on the plus strand (G>A on the coding strand, the complement: SYNE1 is on the minus strand). VCF-style: chr6-152461683-C-T. GRCh37 (hg19) VCF-style: chr6-152782818-C-T.
Other names: c.2329G>A, p.Ala777Thr (NM_033071.5); short protein forms A770T, A777T.
Identifiers: ClinVar variation 838692 (VCV000838692.10), dbSNP rs767407271, ClinGen allele CA366120983.